The following is an entry in ClinVar:

NM_145045.5(ODAD3):c.925GAG[1] (p.Glu310del)

Gene: ODAD3 (outer dynein arm docking complex subunit 3; minus strand). Cytogenetic location: 19p13.2.
Variant type: Microsatellite.
Coding change: c.925GAG[1] on transcript NM_145045.5 (MANE Select); one copy of the 3-base unit GAG starting at c.925; the reference has two copies in a row; one copy, 3 bases deleted.
Protein change: p.Glu310del; deletes glutamic acid 310.
Molecular consequence: inframe deletion.
Genome position (GRCh38, 1-based): chr19:11,426,177-11,426,179, CTC deleted on the plus strand (GAG on the coding strand, the reverse complement: ODAD3 is on the minus strand); deleting any 3 consecutive bases within chr19:11,426,177-11,426,182 gives the same sequence; the position shown is the placement nearest the transcript's 3' end. VCF-style (leftmost placement, unchanged base first): chr19-11426176-TCTC-T. GRCh37 (hg19) VCF-style: chr19-11536996-TCTC-T.
Other names: c.763GAG[1], p.Glu256del (NM_001302453.1); c.745GAG[1], p.Glu250del (NM_001302454.2); short protein forms E256del, E250del, E310del.
Identifiers: ClinVar variation 2144627 (VCV002144627.2), dbSNP rs750011384, ClinGen allele CA9212208.

ClinVar aggregate classification (germline): Uncertain significance. Review status: criteria provided, multiple submitters, no conflicts (2 of 4 stars). 2 submissions from 2 submitters: Uncertain significance (2). Last evaluated 2023-05-18.

Conditions:
Primary ciliary dyskinesia 30. Also called: CILIARY DYSKINESIA, PRIMARY, 30, WITH OR WITHOUT SITUS INVERSUS. Identifiers: Orphanet 244, MedGen C4015016, MONDO:0014465, OMIM 616037.

Submissions (2):

Blueprint Genetics
Classification: Uncertain significance. Last evaluated: 2023-05-18. Review status: criteria provided, single submitter. Criteria: ACMG Guidelines, 2015. Collection method: clinical testing. Allele origin: germline.

Labcorp Genetics (formerly Invitae), Labcorp
Classification: Uncertain significance for Primary ciliary dyskinesia 30. Last evaluated: 2022-05-04. Review status: criteria provided, single submitter. Criteria: Invitae Variant Classification Sherloc (09022015). Collection method: clinical testing. Allele origin: germline.
Comment: This variant, c.928_930del, results in the deletion of 1 amino acid(s) of the CCDC151 protein (p.Glu310del), but otherwise preserves the integrity of the reading frame. This variant is present in population databases (rs750011384, gnomAD 0.04%). This variant has not been reported in the literature in individuals affected with CCDC151-related conditions. Experimental studies and prediction algorithms are not available or were not evaluated, and the functional significance of this variant is currently unknown. In summary, the available evidence is currently insufficient to determine the role of this variant in disease. Therefore, it has been classified as a Variant of Uncertain Significance.